The following is an entry in ClinVar:

ClinVar aggregate classification (germline): Uncertain significance (1 of 4 stars; one submission).

gnomAD v4.1: 10 of 1,613,950 alleles (0.00062%); highest among the groups gnomAD compares: Non-Finnish European, 0.00085%; no homozygotes.

Submission:

GeneDx
Classification: Uncertain significance. Last evaluated: 2024-04-14. Review status: criteria provided, single submitter. Criteria: GeneDx Variant Classification Process June 2021. Collection method: clinical testing. Allele origin: germline. Affected: yes.
Comment: Not observed at significant frequency in large population cohorts (gnomAD); In silico analysis supports that this missense variant has a deleterious effect on protein structure/function; Has not been previously published as pathogenic or benign to our knowledge

NM_018026.4(PACS1):c.397G>A (p.Glu133Lys)

Gene: PACS1 (phosphofurin acidic cluster sorting protein 1; plus strand). Cytogenetic location: 11q13.2.
Variant type: single nucleotide variant.
Coding change: c.397G>A on transcript NM_018026.4 (MANE Select); coding-DNA position 397, G replaced by A.
Protein change: p.Glu133Lys; replaces glutamic acid 133 with lysine.
Molecular consequence: missense variant.
Genome position (GRCh38, 1-based): chr11:66,193,526, G>A. VCF-style: chr11-66193526-G-A. GRCh37 (hg19) VCF-style: chr11-65960997-G-A.
Other names: short protein forms E133K.
Identifiers: ClinVar variation 3365655 (VCV003365655.1).